The following continues an entry in ClinVar:

NM_001267550.2(TTN):c.73825G>C (p.Glu24609Gln)

ClinVar aggregate classification (germline): Conflicting classifications of pathogenicity. Uncertain significance (3); Benign (8); Likely benign (8).

Submissions 20 to 26 of 26:

Clinical Genetics DNA and cytogenetics Diagnostics Lab, Erasmus MC, Erasmus Medical Center
Classification: Benign. Review status: no assertion criteria provided. Collection method: clinical testing. Allele origin: germline. Affected: yes. Study: VKGL Data-share Consensus. Not counted in ClinVar's aggregate classification.

Clinical Genetics, Academic Medical Center
Classification: Benign. Review status: no assertion criteria provided. Collection method: clinical testing. Allele origin: germline. Affected: yes. Study: VKGL Data-share Consensus. Not counted in ClinVar's aggregate classification.

Diagnostic Laboratory, Department of Genetics, University Medical Center Groningen
Classification: Likely benign. Review status: no assertion criteria provided. Collection method: clinical testing. Allele origin: germline. Affected: yes. Study: VKGL Data-share Consensus. Not counted in ClinVar's aggregate classification.

Genome Diagnostics Laboratory, University Medical Center Utrecht
Classification: Benign. Review status: no assertion criteria provided. Collection method: clinical testing. Allele origin: germline. Affected: yes. Study: VKGL Data-share Consensus. Not counted in ClinVar's aggregate classification.

Joint Genome Diagnostic Labs from Nijmegen and Maastricht, Radboudumc and MUMC+
Classification: Benign. Review status: no assertion criteria provided. Collection method: clinical testing. Allele origin: germline. Affected: yes. Study: VKGL Data-share Consensus. Not counted in ClinVar's aggregate classification.

Laboratory of Diagnostic Genome Analysis, Leiden University Medical Center (LUMC)
Classification: Likely benign. Review status: no assertion criteria provided. Collection method: clinical testing. Allele origin: germline. Affected: yes. Study: VKGL Data-share Consensus. Not counted in ClinVar's aggregate classification.

Practice for Gait Abnormalities, David Pomarino, Competency Network Toe Walking C/o Practice Pomarino
Classification: Likely pathogenic for Tip-toe gait. Review status: no assertion criteria provided. Collection method: clinical testing. Allele origin: germline. Affected: yes. Not counted in ClinVar's aggregate classification.
Comment: Myopathy refers to diseases that affect skeletal Muscles. These diseases attack muscle fibers, making muscles weak. Inherited myopathies are often caused by inheriting an abnormal gene mutation from a parent that causes the disease. Symptoms of congenital myopathies usually start at birth or in early childhood, but may not appear until the teen years or even later in adulthood. Congenital myopathies are somewhat unique compared with other inherited myopathies, as weakness typically affects all muscles and is often not progressive. Symptoms are: Muscle weakness, most commonly of upper arms and shoulders and thighs, muscle cramps, stiffness and spasms, fatigue with exertion and lack of energy. Our patients all walk on tiptoe, so they show similar symptoms. When we genetically test them with our toe walking panel, we find that around 90 per cent of them have a genetic variant that explains their toe walking. These can be assigned, for example, to the area of myopathies (such as variants of the COL6A3 gene), the area of hereditary neuropathies (such as variants of the KMT2C gene) or the area of metabolic diseases (such as variants of the PYGM gene). In a smaller group of patients with almost identical symptoms, no abnormality is found in the genes of our panel, but spastic paraplegia can be detected. In another small group of our toe walkers, no abnormalities can be detected in the genes analysed in our toe walking panel, nor do they suffer from spastic paraplegia, as is also the case with healthy children. In contrast to these, however, they show a tiptoe gait. These patients suffer from infantile cerebral palsy, in which toe walking can also be observed.

Literature cited by the submitters: PubMed 37091313 (cited by Practice for Gait Abnormalities, David Pomarino, Competency Network Toe Walking C/o Practice Pomarino).